The following is an entry in ClinVar:

NM_003640.5(ELP1):c.427A>G (p.Ile143Val)

Gene: ELP1 (elongator acetyltransferase complex subunit 1; minus strand). Cytogenetic location: 9q31.3.
Variant type: single nucleotide variant.
Coding change: c.427A>G on transcript NM_003640.5 (MANE Select); coding-DNA position 427, A replaced by G.
Protein change: p.Ile143Val; replaces isoleucine 143 with valine.
Molecular consequence: missense variant. On other transcripts: 5 prime UTR variant (1).
Genome position (GRCh38, 1-based): chr9:108,926,562, T>C on the plus strand (A>G on the coding strand, the complement: ELP1 is on the minus strand). VCF-style: chr9-108926562-T-C. GRCh37 (hg19) VCF-style: chr9-111688842-T-C.
Other names: c.85A>G, p.Ile29Val (NM_001318360.2); c.-433A>G (NM_001330749.2); short protein forms I143V, I29V.
Identifiers: ClinVar variation 1061124 (VCV001061124.7), dbSNP rs571422569, ClinGen allele CA197528362.

ClinVar aggregate classification (germline): Uncertain significance. Review status: criteria provided, single submitter (1 of 4 stars). 2 submissions from 2 submitters: Uncertain significance (1). 1 of the submissions does not count toward it. Last evaluated 2021-08-30.

Conditions:
Familial dysautonomia. Also called: HSAN III; FD. Identifiers: Orphanet 1764, MedGen C0013364, MONDO:0009131, OMIM 223900. Disease mechanism: loss of function.

Allele frequency attached by ClinVar (database versions not stated): gnomAD 0.00001; gnomAD exomes 0.00001.
gnomAD v4.1: 8 of 1,613,104 alleles (0.0005%); highest among the groups gnomAD compares: South Asian, 0.0011%; no homozygotes.

Submissions (2):

Labcorp Genetics (formerly Invitae), Labcorp
Classification: Uncertain significance. Last evaluated: 2021-08-30. Review status: criteria provided, single submitter. Criteria: Invitae Variant Classification Sherloc (09022015). Collection method: clinical testing. Allele origin: germline.
Comment: This sequence change replaces isoleucine with valine at codon 143 of the ELP1 protein (p.Ile143Val). The isoleucine residue is highly conserved and there is a small physicochemical difference between isoleucine and valine. This variant is not present in population databases (ExAC no frequency). This variant has not been reported in the literature in individuals affected with ELP1-related conditions. Algorithms developed to predict the effect of missense changes on protein structure and function output the following: SIFT: "Tolerated"; PolyPhen-2: "Benign"; Align-GVGD: "Class C0". The valine amino acid residue is found in multiple mammalian species, which suggests that this missense change does not adversely affect protein function. In summary, the available evidence is currently insufficient to determine the role of this variant in disease. Therefore, it has been classified as a Variant of Uncertain Significance.

Natera, Inc.
Classification: Uncertain significance for Familial dysautonomia. Last evaluated: 2020-08-19. Review status: no assertion criteria provided. Collection method: clinical testing. Allele origin: germline. Not counted in ClinVar's aggregate classification.